The following is an entry in ClinVar:

ClinVar aggregate classification (germline): Uncertain significance (1 of 4 stars; one submission).

Conditions:
Neurofibromatosis, type 1 (NF1). Also called: VON RECKLINGHAUSEN DISEASE; NEUROFIBROMATOSIS, TYPE I, SOMATIC; Peripheral type neurofibromatosis; Neurofibromatosis, type I. Identifiers: Orphanet 636, MedGen C0027831, MONDO:0018975, OMIM 162200. Disease mechanism: loss of function.

Submission:

Labcorp Genetics (formerly Invitae), Labcorp
Classification: Uncertain significance for Neurofibromatosis, type 1. Last evaluated: 2018-05-16. Review status: criteria provided, single submitter. Criteria: Invitae Variant Classification Sherloc (09022015). Collection method: clinical testing. Allele origin: germline.
Comment: In summary, the available evidence is currently insufficient to determine the role of this variant in disease. Therefore, it has been classified as a Variant of Uncertain Significance. Algorithms developed to predict the effect of missense changes on protein structure and function are either unavailable or do not agree on the potential impact of this missense change (SIFT: "Deleterious"; PolyPhen-2: "Possibly Damaging"; Align-GVGD: "Class C0"). This variant has not been reported in the literature in individuals with NF1-related disease. This variant is not present in population databases (ExAC no frequency). This sequence change replaces methionine with threonine at codon 2033 of the NF1 protein (p.Met2033Thr). The methionine residue is moderately conserved and there is a moderate physicochemical difference between methionine and threonine.

NM_001042492.3(NF1):c.6161T>C (p.Met2054Thr)

Gene: NF1 (neurofibromin 1; plus strand). Cytogenetic location: 17q11.2.
Variant type: single nucleotide variant.
Coding change: c.6161T>C on transcript NM_001042492.3 (MANE Select); coding-DNA position 6161, T replaced by C.
Protein change: p.Met2054Thr; replaces methionine 2054 with threonine.
Molecular consequence: missense variant.
Genome position (GRCh38, 1-based): chr17:31,336,648, T>C. VCF-style: chr17-31336648-T-C. GRCh37 (hg19) VCF-style: chr17-29663666-T-C.
Other names: c.6098T>C, p.Met2033Thr (NM_000267.4); short protein forms M2054T, M2033T.
Identifiers: ClinVar variation 568031 (VCV000568031.5), dbSNP rs1555534665, ClinGen allele CA399011723.